The following is an entry in ClinVar:

ClinVar aggregate classification (germline): Uncertain significance. Review status: criteria provided, multiple submitters, no conflicts (2 of 4 stars). 2 submissions from 2 submitters: Uncertain significance (2). Last evaluated 2025-02-10.

Conditions:
Hereditary cancer-predisposing syndrome. Also called: Neoplastic Syndromes, Hereditary; Tumor predisposition; Hereditary neoplastic syndrome; Hereditary Cancer Syndrome. Identifiers: Orphanet 140162, MedGen C0027672, MeSH D009386, MONDO:0015356.
Neuroblastoma, susceptibility to, 3. Also called: ALK-Related Neuroblastic Tumor Susceptibility. Identifiers: Orphanet 635, MedGen C2751681, MONDO:0013083, OMIM 613014.

Submissions (2):

Labcorp Genetics (formerly Invitae), Labcorp
Classification: Uncertain significance for Neuroblastoma, susceptibility to, 3. Last evaluated: 2025-02-10. Review status: criteria provided, single submitter. Criteria: Invitae Variant Classification Sherloc (09022015). Collection method: clinical testing. Allele origin: germline.
Comment: This sequence change replaces leucine, which is neutral and non-polar, with phenylalanine, which is neutral and non-polar, at codon 1380 of the ALK protein (p.Leu1380Phe). This variant is not present in population databases (gnomAD no frequency). This variant has not been reported in the literature in individuals affected with ALK-related conditions. ClinVar contains an entry for this variant (Variation ID: 1922917). An algorithm developed to predict the effect of missense changes on protein structure and function (PolyPhen-2) suggests that this variant is likely to be disruptive. In summary, the available evidence is currently insufficient to determine the role of this variant in disease. Therefore, it has been classified as a Variant of Uncertain Significance.

Ambry Genetics
Classification: Uncertain significance for Hereditary cancer-predisposing syndrome. Last evaluated: 2025-01-18. Review status: criteria provided, single submitter. Criteria: Ambry Variant Classification Scheme 2023. Collection method: clinical testing. Allele origin: germline.
Comment: The p.L1380F variant (also known as c.4140G>C), located in coding exon 28 of the ALK gene, results from a G to C substitution at nucleotide position 4140. The leucine at codon 1380 is replaced by phenylalanine, an amino acid with highly similar properties. This amino acid position is conserved. In addition, this alteration is predicted to be deleterious by in silico analysis. Based on the available evidence, the clinical significance of this variant remains unclear.

NM_004304.5(ALK):c.4140G>C (p.Leu1380Phe)

Gene: ALK (ALK receptor tyrosine kinase; minus strand). Cytogenetic location: 2p23.2.
Variant type: single nucleotide variant.
Coding change: c.4140G>C on transcript NM_004304.5 (MANE Select); coding-DNA position 4140, G replaced by C.
Protein change: p.Leu1380Phe; replaces leucine 1380 with phenylalanine.
Molecular consequence: missense variant.
Genome position (GRCh38, 1-based): chr2:29,196,794, C>G on the plus strand (G>C on the coding strand, the complement: ALK is on the minus strand). VCF-style: chr2-29196794-C-G. GRCh37 (hg19) VCF-style: chr2-29419660-C-G.
Other names: c.936G>C, p.Leu312Phe (NM_001353765.2); c.4140G>C (NM_004304.4); short protein forms L312F, L1380F.
Identifiers: ClinVar variation 1922917 (VCV001922917.6), dbSNP rs1573083257, ClinGen allele CA346464929.
Genomic context (GRCh38, chr2:29,196,794, plus strand): 5'-AGAGTAAATGTTGACCAAAGGGAGAAAATGTTTTACCTGGGTGCAGTATTCAATCCTCTC[C>G]AAAATGATGGCAAAGTTGGGCCTGTCTTCAGGCTGATGTTGCCAGCACTGAGTCATTATC-3'
Protein context (NP_004295.2, residues 1370-1390): PEDRPNFAII[Leu1380Phe]ERIEYCTQDP